The following is an entry in ClinVar:

NM_000503.6(EYA1):c.418+6T>G

Gene: EYA1 (EYA transcriptional coactivator and phosphatase 1; minus strand). Cytogenetic location: 8q13.3.
Variant type: single nucleotide variant.
Coding change: c.418+6T>G on transcript NM_000503.6 (MANE Select); 6 bases into the intron after coding-DNA position 418, T replaced by G.
Molecular consequence: intron variant.
Genome position (GRCh38, 1-based): chr8:71,321,728, A>C on the plus strand (T>G on the coding strand, the complement: EYA1 is on the minus strand). VCF-style: chr8-71321728-A-C. GRCh37 (hg19) VCF-style: chr8-72233963-A-C.
Other names: c.502+6T>G (NM_001370336.1); c.505+6T>G (NM_001370333.1, NM_172059.5); c.418+6T>G (NM_001370335.1, NM_001370334.1, NM_172058.4); c.319+6T>G (NM_001411797.1, NM_172060.4); c.67+6T>G (NM_001288575.2); c.415+6T>G (NM_001288574.2).
Identifiers: ClinVar variation 3252208 (VCV003252208.1), dbSNP rs2537060276.

ClinVar aggregate classification (germline): Uncertain significance (1 of 4 stars; one submission).

Submission:

GeneDx
Classification: Uncertain significance. Last evaluated: 2023-08-07. Review status: criteria provided, single submitter. Criteria: GeneDx Variant Classification Process June 2021. Collection method: clinical testing. Allele origin: germline. Affected: yes.
Comment: Not observed at significant frequency in large population cohorts (gnomAD); In silico analysis is inconclusive as to whether the variant alters gene splicing. In the absence of RNA/functional studies, the actual effect of this sequence change is unknown.; Has not been previously published as pathogenic or benign to our knowledge